The following is an entry in ClinVar:

NM_001271.4(CHD2):c.2776A>G (p.Ile926Val)

Gene: CHD2 (chromodomain helicase DNA binding protein 2; plus strand). Cytogenetic location: 15q26.1.
Variant type: single nucleotide variant.
Coding change: c.2776A>G on transcript NM_001271.4 (MANE Select); coding-DNA position 2776, A replaced by G.
Protein change: p.Ile926Val; replaces isoleucine 926 with valine.
Molecular consequence: missense variant.
Genome position (GRCh38, 1-based): chr15:92,979,183, A>G. VCF-style: chr15-92979183-A-G. GRCh37 (hg19) VCF-style: chr15-93522413-A-G.
Other names: short protein forms I926V.
Identifiers: ClinVar variation 3381288 (VCV003381288.1).

ClinVar aggregate classification (germline): Uncertain significance (1 of 4 stars; one submission).

gnomAD v4.1: 1 of 1,614,116 alleles (0.000062%); highest among the groups gnomAD compares: Non-Finnish European, 0.000085%; no homozygotes.

Submission:

GeneDx
Classification: Uncertain significance. Last evaluated: 2024-05-22. Review status: criteria provided, single submitter. Criteria: GeneDx Variant Classification Process June 2021. Collection method: clinical testing. Allele origin: germline. Affected: yes.
Comment: Not observed at significant frequency in large population cohorts (gnomAD); In silico analysis indicates that this missense variant does not alter protein structure/function; Has not been previously published as pathogenic or benign to our knowledge